The following is an entry in ClinVar:

NM_006231.4(POLE):c.5989C>T (p.Leu1997Phe)

Gene: POLE (DNA polymerase epsilon, catalytic subunit; minus strand). Cytogenetic location: 12q24.33.
Variant type: single nucleotide variant.
Coding change: c.5989C>T on transcript NM_006231.4 (MANE Select); coding-DNA position 5989, C replaced by T.
Protein change: p.Leu1997Phe; replaces leucine 1997 with phenylalanine.
Molecular consequence: missense variant.
Genome position (GRCh38, 1-based): chr12:132,634,201, G>A on the plus strand (C>T on the coding strand, the complement: POLE is on the minus strand). VCF-style: chr12-132634201-G-A. GRCh37 (hg19) VCF-style: chr12-133210787-G-A.
Other names: c.5989C>T (NM_006231.2); short protein forms L1997F.
Identifiers: ClinVar variation 658495 (VCV000658495.10), dbSNP rs1593711868, ClinGen allele CA387371429.

ClinVar aggregate classification (germline): Uncertain significance. Review status: criteria provided, multiple submitters, no conflicts (2 of 4 stars). 3 submissions from 3 submitters: Uncertain significance (3). Last evaluated 2024-05-08.

Conditions:
Hereditary cancer-predisposing syndrome. Also called: Hereditary neoplastic syndrome; Neoplastic Syndromes, Hereditary; Hereditary Cancer Syndrome; Tumor predisposition. Identifiers: Orphanet 140162, MedGen C0027672, MeSH D009386, MONDO:0015356.

Allele frequency attached by ClinVar (database versions not stated): gnomAD exomes below 0.00001; TOPMed below 0.00001; gnomAD 0.00001.
gnomAD v4.1: 3 of 1,612,732 alleles (0.00019%); highest among the groups gnomAD compares: Non-Finnish European, 0.00025%; no homozygotes.

Submissions (3):

Ambry Genetics
Classification: Uncertain significance for Hereditary cancer-predisposing syndrome. Last evaluated: 2024-05-08. Review status: criteria provided, single submitter. Criteria: Ambry Variant Classification Scheme 2023. Collection method: clinical testing. Allele origin: germline.
Comment: The p.L1997F variant (also known as c.5989C>T), located in coding exon 43 of the POLE gene, results from a C to T substitution at nucleotide position 5989. The leucine at codon 1997 is replaced by phenylalanine, an amino acid with highly similar properties. This amino acid position is conserved. In addition, the in silico prediction for this alteration is inconclusive. Based on the available evidence, the clinical significance of this variant remains unclear.

Labcorp Genetics (formerly Invitae), Labcorp
Classification: Uncertain significance. Last evaluated: 2023-12-10. Review status: criteria provided, single submitter. Criteria: Invitae Variant Classification Sherloc (09022015). Collection method: clinical testing. Allele origin: germline.
Comment: This sequence change replaces leucine, which is neutral and non-polar, with phenylalanine, which is neutral and non-polar, at codon 1997 of the POLE protein (p.Leu1997Phe). This variant is not present in population databases (gnomAD no frequency). This variant has not been reported in the literature in individuals affected with POLE-related conditions. ClinVar contains an entry for this variant (Variation ID: 658495). Advanced modeling of protein sequence and biophysical properties (such as structural, functional, and spatial information, amino acid conservation, physicochemical variation, residue mobility, and thermodynamic stability) performed at Invitae indicates that this missense variant is not expected to disrupt POLE protein function with a negative predictive value of 80%. In summary, the available evidence is currently insufficient to determine the role of this variant in disease. Therefore, it has been classified as a Variant of Uncertain Significance.

Institute for Clinical Genetics, University Hospital TU Dresden, University Hospital TU Dresden
Classification: Uncertain significance. Last evaluated: 2021-11-03. Review status: criteria provided, single submitter. Criteria: ACMG Guidelines, 2015. Collection method: clinical testing. Allele origin: germline.